The following is an entry in ClinVar:

NM_001366385.1(CARD14):c.1653G>A (p.Ser551=)

Gene: CARD14 (caspase recruitment domain family member 14; plus strand). Cytogenetic location: 17q25.3.
Variant type: single nucleotide variant.
Coding change: c.1653G>A on transcript NM_001366385.1 (MANE Select); coding-DNA position 1653, G replaced by A.
Protein change: p.Ser551=; no amino-acid change (serine 551 retained).
Molecular consequence: synonymous variant. On other transcripts: non-coding transcript variant (1).
Genome position (GRCh38, 1-based): chr17:80,198,157, G>A. VCF-style: chr17-80198157-G-A. GRCh37 (hg19) VCF-style: chr17-78171956-G-A.
Other names: c.1653G>A, p.Ser551= (NM_024110.4, NM_001257970.1); c.942G>A, p.Ser314= (NM_052819.3).
Identifiers: ClinVar variation 527875 (VCV000527875.18), dbSNP rs369746581, ClinGen allele CA8816912.

ClinVar aggregate classification (germline): Likely benign. Review status: criteria provided, multiple submitters, no conflicts (2 of 4 stars). 4 submissions from 4 submitters: Likely benign (3). 1 of the submissions does not count toward it. Last evaluated 2025-12-16.

Conditions:
CARD14-related disorder. Also called: CARD14-related condition.
Autoinflammatory syndrome. Identifiers: Orphanet 93665, MedGen C3890737, MONDO:0019751.
Pityriasis rubra pilaris (PRP). Also called: Pityriasis rubra pilaris--familial type. Identifiers: Orphanet 2897, MedGen C0032027, MONDO:0100017, OMIM 173200, MONDO:0008251.
Psoriasis 2. Identifiers: MedGen C1864497, MONDO:0011269, OMIM 602723.

Allele frequency attached by ClinVar (database versions not stated): gnomAD 0.00007 and 0.00008; ESP Exome Variant Server 0.00008; ExAC 0.00012; TOPMed 0.00012; gnomAD exomes 0.00014 and 0.00016.
gnomAD v4.1: 237 of 1,613,736 alleles (0.015%); highest among the groups gnomAD compares: Admixed American, 0.022%; no homozygotes.

Submissions (4):

Labcorp Genetics (formerly Invitae), Labcorp
Classification: Likely benign for Pityriasis rubra pilaris; Psoriasis 2. Last evaluated: 2025-12-16. Review status: criteria provided, single submitter. Criteria: Invitae Variant Classification Sherloc (09022015). Collection method: clinical testing. Allele origin: germline.

Blueprint Genetics
Classification: Likely benign. Last evaluated: 2023-07-07. Review status: criteria provided, single submitter. Criteria: ACMG Guidelines, 2015. Collection method: clinical testing. Allele origin: germline.

Genome Diagnostics Laboratory, The Hospital for Sick Children
Classification: Likely benign for Autoinflammatory syndrome. Last evaluated: 2017-12-01. Review status: criteria provided, single submitter. Criteria: ACMG Guidelines, 2015. Collection method: clinical testing. Allele origin: germline. Affected: yes.

PreventionGenetics, part of Exact Sciences
Classification: Likely benign for CARD14-related condition. Last evaluated: 2022-08-23. Review status: no assertion criteria provided. Collection method: clinical testing. Allele origin: germline. Not counted in ClinVar's aggregate classification.
Comment: This variant is classified as likely benign based on ACMG/AMP sequence variant interpretation guidelines (Richards et al. 2015 PMID: 25741868, with internal and published modifications).